The following is an entry in ClinVar:

NM_001009944.3(PKD1):c.78_96dup (p.Cys33fs)

Gene: PKD1 (polycystin 1, transient receptor potential channel interacting; minus strand). Cytogenetic location: 16p13.3.
Variant type: Duplication.
Coding change: c.78_96dup on transcript NM_001009944.3 (MANE Select); coding-DNA positions 78 to 96, 19 bases duplicated (CGGGCGCGGCTGCGGGCCC).
Protein change: p.Cys33fs; shifts the reading frame from cysteine 33.
Molecular consequence: frameshift variant.
Genome position (GRCh38, 1-based): chr16:2,135,594-2,135,612, GGGCCCGCAGCCGCGCCCG duplicated on the plus strand (CGGGCGCGGCTGCGGGCCC on the coding strand, the reverse complement: PKD1 is on the minus strand); duplicating any 19 consecutive bases within chr16:2,135,594-2,135,618 gives the same sequence; the c. name uses the placement nearest the transcript's 3' end. VCF-style (leftmost placement, unchanged base first): chr16-2135593-A-AGGGCCCGCAGCCGCGCCCG. GRCh37 (hg19) VCF-style: chr16-2185594-A-AGGGCCCGCAGCCGCGCCCG.
Other names: c.78_96dup, p.Cys33fs (NM_000296.4); c.78_96dup19 (NM_001009944.2); short protein forms C33fs.
Identifiers: ClinVar variation 2635322 (VCV002635322.1), dbSNP rs2544960532, ClinGen allele CA2695197428.

ClinVar aggregate classification (germline): Pathogenic (1 of 4 stars; one submission).

Conditions:
PKD1-related disorder. Also called: PKD1-related condition.

Submission:

PreventionGenetics, part of Exact Sciences
Classification: Pathogenic for PKD1-related condition. Last evaluated: 2022-12-14. Review status: criteria provided, single submitter. Criteria: ACMG Guidelines, 2015. Collection method: clinical testing. Allele origin: germline.
Comment: The PKD1 c.78_96dup19 variant is predicted to result in a frameshift and premature protein termination (p.Cys33Argfs*87). This variant was reported in an individual with autosomal dominant polycystic kidney disease (Kim et al. 2019. PubMed ID: 31740684, Supplementary Table S6). This variant has not been reported in a large population database, indicating this variant is rare. Frameshift variants in PKD1 are expected to be pathogenic. This variant is interpreted as pathogenic.